The following is an entry in ClinVar:

ClinVar aggregate classification (germline): Benign. Review status: criteria provided, multiple submitters, no conflicts (2 of 4 stars). 16 submissions from 13 submitters: Benign (12). 4 of the submissions do not count toward it. Last evaluated 2026-02-04.

Conditions:
Melnick-Fraser syndrome (BOR). Also called: Branchio-oto-renal syndrome; Branchiootorenal Syndrome (BORS); Branchiootorenal syndrome. Identifiers: Orphanet 107, MedGen C0265234, MONDO:0007029.
Otofaciocervical syndrome 1 (OTFCS). Identifiers: MedGen C3714941, MONDO:0024532, OMIM 166780.
Branchiootic syndrome 1 (BOS1). Also called: BO SYNDROME 1; BRANCHIOOTIC DYSPLASIA. Identifiers: MedGen C1865143, MONDO:0011258, OMIM 602588.
Branchiootorenal syndrome 1. Also called: Branchio-Oto-Renal Syndrome 1. Identifiers: Orphanet 107, MedGen C4551702, MONDO:0007236, OMIM 113650.

Allele frequency attached by ClinVar (database versions not stated): ESP Exome Variant Server 0.31962; gnomAD exomes 0.33770 and 0.39568; gnomAD 0.35033 and 0.35963; TOPMed 0.36635; ExAC 0.39578; 1000 Genomes Project 30x 0.47236; 1000 Genomes Project 0.47664.
gnomAD v4.1: 548,557 of 1,610,680 alleles (34%); highest among the groups gnomAD compares: East Asian, 78%; 100,999 homozygotes.

Submissions (16):

Labcorp Genetics (formerly Invitae), Labcorp
Classification: Benign for Melnick-Fraser syndrome. Last evaluated: 2026-02-04. Review status: criteria provided, single submitter. Criteria: Invitae Variant Classification Sherloc (09022015). Collection method: clinical testing. Allele origin: germline.

Blueprint Genetics
Classification: Benign. Last evaluated: 2024-11-27. Review status: criteria provided, single submitter. Criteria: ACMG Guidelines, 2015. Collection method: clinical testing. Allele origin: germline.

Mayo Clinic Laboratories, Mayo Clinic
Classification: Benign. Last evaluated: 2022-03-09. Review status: criteria provided, single submitter. Criteria: ACMG Guidelines, 2015. Collection method: clinical testing. Allele origin: germline. Observed: 139 variant alleles.

Genome-Nilou Lab
Classification: Benign for Otofaciocervical syndrome 1. Last evaluated: 2021-08-10. Review status: criteria provided, single submitter. Criteria: ACMG Guidelines, 2015. Collection method: clinical testing. Allele origin: germline. Affected: no.

Genome-Nilou Lab
Classification: Benign for Branchiootic syndrome 1. Last evaluated: 2021-08-10. Review status: criteria provided, single submitter. Criteria: ACMG Guidelines, 2015. Collection method: clinical testing. Allele origin: germline. Affected: no.

Genome-Nilou Lab
Classification: Benign for Branchiootorenal syndrome 1. Last evaluated: 2021-08-10. Review status: criteria provided, single submitter. Criteria: ACMG Guidelines, 2015. Collection method: clinical testing. Allele origin: germline. Affected: no.

Illumina Laboratory Services, Illumina
Classification: Benign for Otofaciocervical syndrome 1. Last evaluated: 2018-01-13. Review status: criteria provided, single submitter. Criteria: ICSL Variant Classification Criteria 13 December 2019. Collection method: clinical testing. Allele origin: germline.
Comment: This variant was observed in the ICSL laboratory as part of a predisposition screen in an ostensibly healthy population. It had not been previously curated by ICSL or reported in the Human Gene Mutation Database (HGMD: prior to June 1st, 2018), and was therefore a candidate for classification through an automated scoring system. Utilizing variant allele frequency, disease prevalence and penetrance estimates, and inheritance mode, an automated score was calculated to assess if this variant is too frequent to cause the disease. Based on the score and internal cut-off values, a variant classified as benign is not then subjected to further curation. The score for this variant resulted in a classification of benign for this disease.

Illumina Laboratory Services, Illumina
Classification: Benign for Branchiootic syndrome. Last evaluated: 2018-01-13. Review status: criteria provided, single submitter. Criteria: ICSL Variant Classification Criteria 13 December 2019. Collection method: clinical testing. Allele origin: germline.
Comment: the same text as in the submission from Illumina Laboratory Services, Illumina above.

GeneDx
Classification: Benign. Last evaluated: 2015-03-03. Review status: criteria provided, single submitter. Criteria: GeneDx Variant Classification Process June 2021. Collection method: clinical testing. Allele origin: germline. Affected: yes.

Laboratory for Molecular Medicine, Mass General Brigham Personalized Medicine
Classification: Benign. Last evaluated: 2010-10-28. Review status: criteria provided, single submitter. Criteria: LMM Criteria. Collection method: clinical testing. Allele origin: germline. Observed: 1,029 variant alleles.
Comment: The His585His variant is a common benign variant present in ~40% of the African population, ~75% of the Asian population, ~20% of the Caucasian population (dbSN P - rs10103397).

Breakthrough Genomics
Classification: Benign. Review status: criteria provided, single submitter. Criteria: ACMG Guidelines, 2015. Collection method: not provided. Allele origin: germline. Inheritance: Autosomal dominant inheritance. Affected: yes.

PreventionGenetics, part of Exact Sciences
Classification: Benign. Review status: criteria provided, single submitter. Criteria: ACMG Guidelines, 2015. Collection method: clinical testing. Allele origin: germline.

Clinical Genetics DNA and cytogenetics Diagnostics Lab, Erasmus MC, Erasmus Medical Center
Classification: Benign. Review status: no assertion criteria provided. Collection method: clinical testing. Allele origin: germline. Affected: yes. Study: VKGL Data-share Consensus. Not counted in ClinVar's aggregate classification.

Diagnostic Laboratory, Department of Genetics, University Medical Center Groningen
Classification: Benign. Review status: no assertion criteria provided. Collection method: clinical testing. Allele origin: germline. Affected: yes. Study: VKGL Data-share Consensus. Not counted in ClinVar's aggregate classification.

Genome Diagnostics Laboratory, University Medical Center Utrecht
Classification: Benign. Review status: no assertion criteria provided. Collection method: clinical testing. Allele origin: germline. Affected: yes. Study: VKGL Data-share Consensus. Not counted in ClinVar's aggregate classification.

Joint Genome Diagnostic Labs from Nijmegen and Maastricht, Radboudumc and MUMC+
Classification: Benign. Review status: no assertion criteria provided. Collection method: clinical testing. Allele origin: germline. Affected: yes. Study: VKGL Data-share Consensus. Not counted in ClinVar's aggregate classification.

NM_000503.6(EYA1):c.1755T>C (p.His585=)

Gene: EYA1 (EYA transcriptional coactivator and phosphatase 1; minus strand). Cytogenetic location: 8q13.3.
Variant type: single nucleotide variant.
Coding change: c.1755T>C on transcript NM_000503.6 (MANE Select); coding-DNA position 1755, T replaced by C.
Protein change: p.His585=; no amino-acid change (histidine 585 retained).
Molecular consequence: synonymous variant.
Genome position (GRCh38, 1-based): chr8:71,199,364, A>G on the plus strand (T>C on the coding strand, the complement: EYA1 is on the minus strand). VCF-style: chr8-71199364-A-G. GRCh37 (hg19) VCF-style: chr8-72111599-A-G.
Other names: p.His585=; c.1737T>C, p.His579= (NM_001288574.2, NM_172059.5); c.1389T>C, p.His463= (NM_001288575.2); c.1842T>C, p.His614= (NM_001370333.1); c.1755T>C, p.His585= (NM_001370334.1, NM_001370335.1, NM_172058.4); c.1734T>C, p.His578= (NM_001370336.1).
Identifiers: ClinVar variation 48107 (VCV000048107.30), dbSNP rs10103397, ClinGen allele CA142603.
Genomic context (GRCh38, chr8:71,199,364, plus strand): 5'-CAGAGCAGCTGTGCGCTGTCAAAGTGCCGAGCGCTGTTACAGGTACTCCAGTTCCAAGGC[A>G]TGGTGCAGGGCCATGAGGTCCGAGTGGCTGGAGATCCTCCAGAAGGGCATCGCGTGCTGC-3'
Protein context (NP_000494.2, residues 575-592): SSHSDLMALH[His585=]ALELEYL